The following is an entry in ClinVar:

ClinVar aggregate classification (germline): Likely benign. Review status: criteria provided, multiple submitters, no conflicts (2 of 4 stars). 2 submissions from 2 submitters: Likely benign (2). Last evaluated 2025-05-29.

Conditions:
DNAH7-related disorder. Also called: DNAH7-related condition.

Allele frequency attached by ClinVar (database versions not stated): ESP Exome Variant Server 0.00068; ExAC 0.00077; gnomAD exomes 0.00112.
gnomAD v4.1: 1,687 of 1,609,030 alleles (0.1%); highest among the groups gnomAD compares: Non-Finnish European, 0.12%; 2 homozygotes.

Submissions (2):

PreventionGenetics, part of Exact Sciences
Classification: Likely benign for DNAH7-related condition. Last evaluated: 2025-05-29. Review status: criteria provided, single submitter. Criteria: ACMG Guidelines, 2015. Collection method: clinical testing. Allele origin: germline.
Comment: This variant is classified as likely benign based on ACMG/AMP sequence variant interpretation guidelines (Richards et al. 2015 PMID: 25741868, with internal and published modifications).

CeGaT Center for Human Genetics Tuebingen
Classification: Likely benign. Last evaluated: 2022-12-01. Review status: criteria provided, single submitter. Criteria: CeGaT Center For Human Genetics Tuebingen Variant Classification Criteria Version 2. Collection method: clinical testing. Allele origin: germline. Affected: yes. Observed: 1 variant allele.
Comment: DNAH7: BP4, BP7

NM_018897.3(DNAH7):c.5379G>A (p.Ser1793=)

Gene: DNAH7 (dynein axonemal heavy chain 7; minus strand). Cytogenetic location: 2q32.3.
Variant type: single nucleotide variant.
Coding change: c.5379G>A on transcript NM_018897.3 (MANE Select); coding-DNA position 5379, G replaced by A.
Protein change: p.Ser1793=; no amino-acid change (serine 1793 retained).
Molecular consequence: synonymous variant.
Genome position (GRCh38, 1-based): chr2:195,888,285, C>T on the plus strand (G>A on the coding strand, the complement: DNAH7 is on the minus strand). VCF-style: chr2-195888285-C-T. GRCh37 (hg19) VCF-style: chr2-196753009-C-T.
Other names: c.5379G>A (NM_018897.2).
Identifiers: ClinVar variation 2651777 (VCV002651777.25), dbSNP rs201987961, ClinGen allele CA2035426.